The following is an entry in ClinVar:

ClinVar aggregate classification (germline): Uncertain significance (1 of 4 stars; one submission).

Conditions:
Noonan syndrome 9 (NS9). Identifiers: Orphanet 648, MedGen C4225282, MONDO:0014691, OMIM 616559.

Allele frequency attached by ClinVar (database versions not stated): gnomAD exomes below 0.00001.
gnomAD v4.1: 1 of 1,610,392 alleles (0.000062%); highest among the groups gnomAD compares: Non-Finnish European, 0.000085%; no homozygotes.

Submission:

Labcorp Genetics (formerly Invitae), Labcorp
Classification: Uncertain significance for Noonan syndrome 9. Last evaluated: 2022-07-25. Review status: criteria provided, single submitter. Criteria: Invitae Variant Classification Sherloc (09022015). Collection method: clinical testing. Allele origin: germline.
Comment: In summary, the available evidence is currently insufficient to determine the role of this variant in disease. Therefore, it has been classified as a Variant of Uncertain Significance. Advanced modeling of protein sequence and biophysical properties (such as structural, functional, and spatial information, amino acid conservation, physicochemical variation, residue mobility, and thermodynamic stability) performed at Invitae indicates that this missense variant is not expected to disrupt SOS2 protein function. This variant has not been reported in the literature in individuals affected with SOS2-related conditions. This variant is not present in population databases (gnomAD no frequency). This sequence change replaces tyrosine, which is neutral and polar, with histidine, which is basic and polar, at codon 1006 of the SOS2 protein (p.Tyr1006His).

NM_006939.4(SOS2):c.3016T>C (p.Tyr1006His)

Gene: SOS2 (SOS Ras/Rho guanine nucleotide exchange factor 2; minus strand). Cytogenetic location: 14q21.3.
Variant type: single nucleotide variant.
Coding change: c.3016T>C on transcript NM_006939.4 (MANE Select); coding-DNA position 3016, T replaced by C.
Protein change: p.Tyr1006His; replaces tyrosine 1006 with histidine.
Molecular consequence: missense variant.
Genome position (GRCh38, 1-based): chr14:50,134,182, A>G on the plus strand (T>C on the coding strand, the complement: SOS2 is on the minus strand). VCF-style: chr14-50134182-A-G. GRCh37 (hg19) VCF-style: chr14-50600900-A-G.
Other names: c.2917T>C, p.Tyr973His (NM_001411020.1); short protein forms Y1006H, Y973H.
Identifiers: ClinVar variation 2156912 (VCV002156912.4), dbSNP rs2502850736, ClinGen allele CA389641729.